The following is an entry in ClinVar:

ClinVar aggregate classification (germline): Uncertain significance. Review status: criteria provided, multiple submitters, no conflicts (2 of 4 stars). 2 submissions from 2 submitters: Uncertain significance (2). Last evaluated 2025-03-07.

Conditions:
Arterial tortuosity syndrome (ATORS). Identifiers: Orphanet 3342, MedGen C1859726, MONDO:0008818, OMIM 208050.

Allele frequency attached by ClinVar (database versions not stated): gnomAD 0.00001; gnomAD exomes 0.00001 and 0.00002; ExAC 0.00002.

Submissions (2):

Labcorp Genetics (formerly Invitae), Labcorp
Classification: Uncertain significance for Arterial tortuosity syndrome. Last evaluated: 2025-03-07. Review status: criteria provided, single submitter. Criteria: Invitae Variant Classification Sherloc (09022015). Collection method: clinical testing. Allele origin: germline.
Comment: This variant, c.110_121del, is a complex sequence change that results in the deletion of 5 and insertion of 1 amino acid(s) in the SLC2A10 protein (p.Gln37_Gly41delinsArg). This variant is present in population databases (rs767211470, gnomAD 0.02%). This variant has not been reported in the literature in individuals affected with SLC2A10-related conditions. ClinVar contains an entry for this variant (Variation ID: 1013453). Experimental studies and prediction algorithms are not available or were not evaluated, and the functional significance of this variant is currently unknown. In summary, the available evidence is currently insufficient to determine the role of this variant in disease. Therefore, it has been classified as a Variant of Uncertain Significance.

CeGaT Center for Human Genetics Tuebingen
Classification: Uncertain significance. Last evaluated: 2021-01-01. Review status: criteria provided, single submitter. Criteria: CeGaT Center For Human Genetics Tuebingen Variant Classification Criteria Version 2. Collection method: clinical testing. Allele origin: germline. Affected: yes. Observed: 1 variant allele.

NM_030777.4(SLC2A10):c.110_121del (p.Gln37_Gly41delinsArg)

Gene: SLC2A10 (solute carrier family 2 member 10; plus strand). Cytogenetic location: 20q13.12.
Variant type: Deletion.
Coding change: c.110_121del on transcript NM_030777.4 (MANE Select); coding-DNA positions 110 to 121, 12 bases deleted (AGCTTGACTTTG).
Protein change: p.Gln37_Gly41delinsArg.
Molecular consequence: inframe indel.
Genome position (GRCh38, 1-based): chr20:46,725,146-46,725,157, AGCTTGACTTTG deleted. VCF-style (leftmost placement, unchanged base first): chr20-46725145-CAGCTTGACTTTG-C. GRCh37 (hg19) VCF-style: chr20-45353784-CAGCTTGACTTTG-C.
Identifiers: ClinVar variation 1013453 (VCV001013453.41), dbSNP rs767211470, ClinGen allele CA9891914.
Genomic context (GRCh38, chr20:46,725,145, plus strand): 5'-CTGGGTGGCCTGACCTTTGGTTATGAACTGGCAGTCATATCAGGTGCCCTGCTGCCACTG[CAGCTTGACTTTG>C]GGCTAAGCTGCTTGGAGCAGGAGTTCCTGGTGGGCAGCCTGCTCCTGGGGGCTCTCCTCG-3'